The following is an entry in ClinVar:

ClinVar aggregate classification (germline): Likely benign. Review status: criteria provided, multiple submitters, no conflicts (2 of 4 stars). 2 submissions from 2 submitters: Likely benign (2). Last evaluated 2025-08-01.

Conditions:
Cardiovascular phenotype. Identifiers: MedGen CN230736.
Hereditary cancer-predisposing syndrome. Also called: Neoplastic Syndromes, Hereditary; Tumor predisposition; Hereditary Cancer Syndrome; Hereditary neoplastic syndrome. Identifiers: Orphanet 140162, MedGen C0027672, MeSH D009386, MONDO:0015356.

Submissions (2):

CeGaT Center for Human Genetics Tuebingen
Classification: Likely benign. Last evaluated: 2025-08-01. Review status: criteria provided, single submitter. Criteria: CeGaT Center For Human Genetics Tuebingen Variant Classification Criteria Version 2. Collection method: clinical testing. Allele origin: germline. Affected: yes. Observed: 1 variant allele.
Comment: NF1: PM2:Supporting, BP4, BP7

Ambry Genetics
Classification: Likely benign for Cardiovascular phenotype; Hereditary cancer-predisposing syndrome. Last evaluated: 2024-10-27. Review status: criteria provided, single submitter. Criteria: Ambry Variant Classification Scheme 2023. Collection method: clinical testing. Allele origin: germline.

NM_001042492.3(NF1):c.6457C>T (p.Leu2153=)

Gene: NF1 (neurofibromin 1; plus strand). Cytogenetic location: 17q11.2.
Variant type: single nucleotide variant.
Coding change: c.6457C>T on transcript NM_001042492.3 (MANE Select); coding-DNA position 6457, C replaced by T.
Protein change: p.Leu2153=; no amino-acid change (leucine 2153 retained).
Molecular consequence: synonymous variant.
Genome position (GRCh38, 1-based): chr17:31,337,397, C>T. VCF-style: chr17-31337397-C-T. GRCh37 (hg19) VCF-style: chr17-29664415-C-T.
Other names: c.6394C>T, p.Leu2132= (NM_000267.4).
Identifiers: ClinVar variation 3404871 (VCV003404871.9).
Genomic context (GRCh38, chr17:31,337,397, plus strand): 5'-TGTCTTTACTTGTTCCTTTATTCTCTTACAGAAGAGACCAAGCAAGTTTTGAGACTCAGT[C>T]TGACAGAGTTCTCATTACCCAAATTTTACTTGCTGTTTGGCATTAGCAAAGTCAAGTCAG-3'
Protein context (NP_001035957.1, residues 2143-2163): EETKQVLRLS[Leu2153=]TEFSLPKFYL